The following is an entry in ClinVar:

ClinVar aggregate classification (germline): Benign (1 of 4 stars; one submission).

Allele frequency attached by ClinVar (database versions not stated): TOPMed 0.00169; gnomAD 0.00180; 1000 Genomes Project 0.00200; 1000 Genomes Project 30x 0.00203; gnomAD exomes 0.00225.
gnomAD v4.1: 3,224 of 1,446,812 alleles (0.22%); highest among the groups gnomAD compares: South Asian, 1.1%; 21 homozygotes.

Submission:

CeGaT Center for Human Genetics Tuebingen
Classification: Benign. Last evaluated: 2026-03-01. Review status: criteria provided, single submitter. Criteria: CeGaT Center For Human Genetics Tuebingen Variant Classification Criteria Version 2. Collection method: clinical testing. Allele origin: germline. Affected: yes. Observed: 8 variant alleles.
Comment: CFH: BS1, BS2

NM_000186.4(CFH):c.3310+113A>G

Gene: CFH (complement factor H; plus strand). Cytogenetic location: 1q31.3.
Variant type: single nucleotide variant.
Coding change: c.3310+113A>G on transcript NM_000186.4 (MANE Select); 113 bases into the intron after coding-DNA position 3310, A replaced by G.
Molecular consequence: intron variant.
Genome position (GRCh38, 1-based): chr1:196,743,741, A>G. VCF-style: chr1-196743741-A-G. GRCh37 (hg19) VCF-style: chr1-196712871-A-G.
Identifiers: ClinVar variation 2639686 (VCV002639686.24), dbSNP rs186009355, ClinGen allele CA35814025.
Genomic context (GRCh38, chr1:196,743,741, plus strand): 5'-TATGTTGATTTAAACAAAATGAAGTCATTTTTATTAATAGATTTTTCAAATGCAAATAAA[A>G]TGACTGATGGTGCTTAAAATTCAATTCTTCCTGTGAACAGAACACAAGTAATAGGGTATA-3'